The following is an entry in ClinVar:

NM_005228.5(EGFR):c.534G>A (p.Met178Ile)

Gene: EGFR (epidermal growth factor receptor; plus strand). Cytogenetic location: 7p11.2.
Variant type: single nucleotide variant.
Coding change: c.534G>A on transcript NM_005228.5 (MANE Select); coding-DNA position 534, G replaced by A.
Protein change: p.Met178Ile; replaces methionine 178 with isoleucine.
Molecular consequence: missense variant. On other transcripts: intron variant (3).
Genome position (GRCh38, 1-based): chr7:55,146,715, G>A. VCF-style: chr7-55146715-G-A. GRCh37 (hg19) VCF-style: chr7-55214408-G-A.
Other names: c.534G>A, p.Met178Ile (NM_001346898.2, NM_201282.2, NM_201283.2 and 1 more transcripts); c.375G>A, p.Met125Ile (NM_001346900.2); c.424+3227G>A (NM_001346899.2, NM_001346897.2); c.89-9115G>A (NM_001346941.2); c.534G>A (NM_005228.3); short protein forms M125I, M178I.
Identifiers: ClinVar variation 1053190 (VCV001053190.11), dbSNP rs745755245, ClinGen allele CA4265242.
Genomic context (GRCh38, chr7:55,146,715, plus strand): 5'-CGTGGAGAGCATCCAGTGGCGGGACATAGTCAGCAGTGACTTTCTCAGCAACATGTCGAT[G>A]GACTTCCAGAACCACCTGGGCAGCTGTAAGTGTCGCATACACACTATCTCTGCCTCCAGC-3'
Protein context (NP_005219.2, residues 168-188): VSSDFLSNMS[Met178Ile]DFQNHLGSCQ

ClinVar aggregate classification (germline): Uncertain significance. Review status: criteria provided, multiple submitters, no conflicts (2 of 4 stars). 3 submissions from 3 submitters: Uncertain significance (3). Last evaluated 2026-01-06.

Conditions:
Hereditary cancer-predisposing syndrome. Also called: Tumor predisposition; Hereditary neoplastic syndrome; Hereditary Cancer Syndrome; Neoplastic Syndromes, Hereditary. Identifiers: Orphanet 140162, MedGen C0027672, MeSH D009386, MONDO:0015356.
Inflammatory skin and bowel disease, neonatal, 2 (NNCIS). Identifiers: Orphanet 294023, MedGen C4015130, MONDO:0014481, OMIM 616069.
Lung cancer. Also called: Malignant tumor of lung; Lung cancer, somatic. Identifiers: MedGen C0242379, MONDO:0008903, OMIM 211980.
EGFR-related lung cancer (EGFR). Identifiers: MedGen CN130014.

Allele frequency attached by ClinVar (database versions not stated): ExAC 0.00001; gnomAD 0.00001; gnomAD exomes 0.00001.

Submissions (3):

Labcorp Genetics (formerly Invitae), Labcorp
Classification: Uncertain significance for EGFR-related lung cancer. Last evaluated: 2026-01-06. Review status: criteria provided, single submitter. Criteria: Invitae Variant Classification Sherloc (09022015). Collection method: clinical testing. Allele origin: germline.
Comment: This sequence change replaces methionine, which is neutral and non-polar, with isoleucine, which is neutral and non-polar, at codon 178 of the EGFR protein (p.Met178Ile). This variant is present in population databases (rs745755245, gnomAD 0.006%). This variant has not been reported in the literature in individuals affected with EGFR-related conditions. ClinVar contains an entry for this variant (Variation ID: 1053190). An algorithm developed to predict the effect of missense changes on protein structure and function outputs the following: PolyPhen-2: "Benign". The isoleucine amino acid residue is found in multiple mammalian species, which suggests that this missense change does not adversely affect protein function. In summary, the available evidence is currently insufficient to determine the role of this variant in disease. Therefore, it has been classified as a Variant of Uncertain Significance.

Ambry Genetics
Classification: Uncertain significance for Hereditary cancer-predisposing syndrome. Last evaluated: 2025-05-19. Review status: criteria provided, single submitter. Criteria: Ambry Variant Classification Scheme 2023. Collection method: clinical testing. Allele origin: germline.
Comment: The p.M178I variant (also known as c.534G>A), located in coding exon 4 of the EGFR gene, results from a G to A substitution at nucleotide position 534. The methionine at codon 178 is replaced by isoleucine, an amino acid with highly similar properties. This amino acid position is conserved. In addition, this alteration is predicted to be tolerated by in silico analysis. Based on the available evidence, the clinical significance of this variant remains unclear.

Fulgent Genetics
Classification: Uncertain significance for Lung cancer; Inflammatory skin and bowel disease, neonatal, 2. Last evaluated: 2024-02-26. Review status: criteria provided, single submitter. Criteria: ACMG Guidelines, 2015. Collection method: clinical testing. Allele origin: germline.